The following is an entry in ClinVar:

ClinVar aggregate classification (germline): Pathogenic (1 of 4 stars; one submission).

Submission:

Labcorp Genetics (formerly Invitae), Labcorp
Classification: Pathogenic. Last evaluated: 2024-03-16. Review status: criteria provided, single submitter. Criteria: Invitae Variant Classification Sherloc (09022015). Collection method: clinical testing. Allele origin: germline.
Comment: This sequence change creates a premature translational stop signal (p.Tyr218*) in the HNF1A gene. It is expected to result in an absent or disrupted protein product. Loss-of-function variants in HNF1A are known to be pathogenic (PMID: 15928245, 18003757). This variant is not present in population databases (gnomAD no frequency). This premature translational stop signal has been observed in individual(s) with HNF1A-related conditions (PMID: 29493090). For these reasons, this variant has been classified as Pathogenic.

Literature cited by the submitters: PubMed 15928245; PubMed 18003757; PubMed 29493090.

NM_000545.8(HNF1A):c.654T>G (p.Tyr218Ter)

Gene: HNF1A (HNF1 homeobox A; plus strand). Cytogenetic location: 12q24.31.
Variant type: single nucleotide variant.
Coding change: c.654T>G on transcript NM_000545.8 (MANE Select); coding-DNA position 654, T replaced by G.
Protein change: p.Tyr218Ter; replaces tyrosine 218 with a stop codon.
Molecular consequence: nonsense.
Genome position (GRCh38, 1-based): chr12:120,993,647, T>G. VCF-style: chr12-120993647-T-G. GRCh37 (hg19) VCF-style: chr12-121431450-T-G.
Other names: c.654T>G, p.Tyr218Ter (NM_001306179.2, NM_001406915.1); short protein forms Y218*.
Identifiers: ClinVar variation 3646255 (VCV003646255.2).